The following is an entry in ClinVar:

ClinVar aggregate classification (germline): Pathogenic (1 of 4 stars; one submission).

Conditions:
Aortic aneurysm, familial thoracic 6 (AAT6). Also called: FAMILIAL THORACIC AORTIC ANEURYSM WITH LIVEDO RETICULARIS AND IRIS FLOCCULI. Identifiers: MedGen C2673186, MONDO:0012730, OMIM 611788.

Submission:

Clinical Genetics Unit, University of Padua
Classification: Pathogenic for Aortic aneurysm, familial thoracic 6. Last evaluated: 2024-03-15. Review status: criteria provided, single submitter. Criteria: ACMG Guidelines, 2015. Collection method: clinical testing, in vivo. Allele origin: inherited, not applicable. Affected: yes. Observed: 2 variant alleles. Functional consequence: dominant negative variant.
Comment: ACTA2 is part of ACMG SF v3.3 genes recommended for return as secondary findings from clinical exome and genome sequencing (PMID: 40568962). Our study in yeast (PMID: 38486025) provides functional evidences for pathogenicity of the NM_001613.2:c.655T > C p.(Cys219Arg) variant.

Literature cited by the submitters: PubMed 40568962; PubMed 17994018.

NM_001613.4(ACTA2):c.655T>C (p.Cys219Arg)

Genes: ACTA2-AS1 (ACTA2 antisense RNA 1; plus strand), ACTA2 (actin alpha 2, smooth muscle; minus strand). Cytogenetic location: 10q23.31.
Variant type: single nucleotide variant.
Coding change: c.655T>C on transcript NM_001613.4 (MANE Select); coding-DNA position 655, T replaced by C.
Protein change: p.Cys219Arg; replaces cysteine 219 with arginine.
Molecular consequence: missense variant. On other transcripts: non-coding transcript variant (1), intron variant (1).
Genome position (GRCh38, 1-based): chr10:88,939,660, A>G on the plus strand (T>C on the coding strand, the complement: ACTA2 is on the minus strand). VCF-style: chr10-88939660-A-G. GRCh37 (hg19) VCF-style: chr10-90699417-A-G.
Other names: c.655T>C, p.Cys219Arg (NM_001141945.3, NM_001320855.2, NM_001406462.1 and 2 more transcripts); c.544T>C, p.Cys182Arg (NM_001406466.1); c.526T>C, p.Cys176Arg (NM_001406467.1, NM_001406468.1, NM_001406469.1); c.617-1418T>C (NM_001406471.1); short protein forms C176R, C182R, C219R.
Identifiers: ClinVar variation 2575106 (VCV002575106.2), dbSNP rs2494528886, ClinGen allele CA377511471.